The following is an entry in ClinVar:

NM_003865.3(HESX1):c.33C>T (p.Leu11=)

Gene: HESX1 (HESX homeobox 1; minus strand). Cytogenetic location: 3p14.3.
Variant type: single nucleotide variant.
Coding change: c.33C>T on transcript NM_003865.3 (MANE Select); coding-DNA position 33, C replaced by T.
Protein change: p.Leu11=; no amino-acid change (leucine 11 retained).
Molecular consequence: synonymous variant.
Genome position (GRCh38, 1-based): chr3:57,199,886, G>A on the plus strand (C>T on the coding strand, the complement: HESX1 is on the minus strand). VCF-style: chr3-57199886-G-A. GRCh37 (hg19) VCF-style: chr3-57233914-G-A.
Other names: c.33C>T (NM_003865.2); c.33C>T, p.Leu11= (NM_001376058.1, NM_001376059.1, NM_001376060.1 and 1 more transcripts).
Identifiers: ClinVar variation 1145721 (VCV001145721.8), dbSNP rs775835444, ClinGen allele CA2463342.
Genomic context (GRCh38, chr3:57,199,886, plus strand): 5'-CTGGTCCAGTCCTAAGATTCTCTCAATTGAAAAGGAGCAAGTTGAGGGTTTGTTTTCCCC[G>A]AGCTGAGCGCCTTCCTGAAGGCTGGGAGACATCCTCTCGTGGTCTGCACAGAGCAACAGC-3'
Protein context (NP_003856.1, residues 1-21): MSPSLQEGAQ[Leu11=]GENKPSTCSF

ClinVar aggregate classification (germline): Likely benign. Review status: criteria provided, multiple submitters, no conflicts (2 of 4 stars). 2 submissions from 2 submitters: Likely benign (2). Last evaluated 2025-05-28.

Conditions:
HESX1-related disorder. Also called: HESX1-related condition.
GROWTH HORMONE DEFICIENCY WITH PITUITARY ANOMALIES. Identifiers: MedGen C2750027, OMIM 182230.
Septo-optic dysplasia sequence (SOD). Also called: DE MORSIER SYNDROME; Septo-optic dysplasia. Identifiers: Orphanet 3157, MedGen C0338503, MONDO:0008428, OMIM 182230, HP:0100842.

Allele frequency attached by ClinVar (database versions not stated): gnomAD exomes 0.00005; ExAC 0.00003.
gnomAD v4.1: 90 of 1,613,868 alleles (0.0056%); highest among the groups gnomAD compares: Admixed American, 0.0083%; no homozygotes.

Submissions (2):

PreventionGenetics, part of Exact Sciences
Classification: Likely benign for HESX1-related condition. Last evaluated: 2025-05-28. Review status: criteria provided, single submitter. Criteria: ACMG Guidelines, 2015. Collection method: clinical testing. Allele origin: germline.
Comment: This variant is classified as likely benign based on ACMG/AMP sequence variant interpretation guidelines (Richards et al. 2015 PMID: 25741868, with internal and published modifications).

Labcorp Genetics (formerly Invitae), Labcorp
Classification: Likely benign for GROWTH HORMONE DEFICIENCY WITH PITUITARY ANOMALIES; Septo-optic dysplasia sequence. Last evaluated: 2022-03-03. Review status: criteria provided, single submitter. Criteria: Invitae Variant Classification Sherloc (09022015). Collection method: clinical testing. Allele origin: germline.